The following is an entry in ClinVar:

NM_002336.3(LRP6):c.3586G>T (p.Glu1196Ter)

Gene: LRP6 (LDL receptor related protein 6; minus strand). Cytogenetic location: 12p13.2.
Variant type: single nucleotide variant.
Coding change: c.3586G>T on transcript NM_002336.3 (MANE Select); coding-DNA position 3586, G replaced by T.
Protein change: p.Glu1196Ter; replaces glutamic acid 1196 with a stop codon.
Molecular consequence: nonsense. On other transcripts: non-coding transcript variant (1).
Genome position (GRCh38, 1-based): chr12:12,138,346, C>A on the plus strand (G>T on the coding strand, the complement: LRP6 is on the minus strand). VCF-style: chr12-12138346-C-A. GRCh37 (hg19) VCF-style: chr12-12291280-C-A.
Other names: c.3679G>T, p.Glu1227Ter (NM_001414244.1); c.3586G>T, p.Glu1196Ter (NM_001414245.1, NM_001414246.1, NM_001414248.1 and 3 more transcripts); c.3388G>T, p.Glu1130Ter (NM_001414247.1); c.3133G>T, p.Glu1045Ter (NM_001414252.1, NM_001414253.1, NM_001414254.1); c.3079G>T, p.Glu1027Ter (NM_001414255.1); short protein forms E1027*, E1045*, E1130*, E1196*, E1227*.
Identifiers: ClinVar variation 2631352 (VCV002631352.1), dbSNP rs2498684078, ClinGen allele CA383953891.

ClinVar aggregate classification (germline): Likely pathogenic (1 of 4 stars; one submission).

Conditions:
LRP6-related disorder. Also called: LRP6-related condition.

Submission:

PreventionGenetics, part of Exact Sciences
Classification: Likely pathogenic for LRP6-related condition. Last evaluated: 2023-08-09. Review status: criteria provided, single submitter. Criteria: ACMG Guidelines, 2015. Collection method: clinical testing. Allele origin: germline.
Comment: The LRP6 c.3586G>T variant is predicted to result in premature protein termination (p.Glu1196*). To our knowledge, this variant has not been reported in the literature or in a large population database, indicating this variant is rare. Nonsense variants in LRP6 are expected to be pathogenic. This variant is interpreted as likely pathogenic.